The following is an entry in ClinVar:

ClinVar aggregate classification (germline): Uncertain significance. Review status: criteria provided, multiple submitters, no conflicts (2 of 4 stars). 4 submissions from 4 submitters: Uncertain significance (3). 1 of the submissions does not count toward it. Last evaluated 2022-09-27.

Conditions:
P3H2-related disorder. Also called: P3H2-related condition.
Inborn genetic diseases. Identifiers: MedGen C0950123, MeSH D030342.

Allele frequency attached by ClinVar (database versions not stated): gnomAD 0.00001 and 0.00004; gnomAD exomes 0.00005 and 0.00007; TOPMed 0.00005; ExAC 0.00008.
gnomAD v4.1: 74 of 1,614,152 alleles (0.0046%); highest among the groups gnomAD compares: East Asian, 0.16%; no homozygotes.

Submissions (4):

Labcorp Genetics (formerly Invitae), Labcorp
Classification: Uncertain significance. Last evaluated: 2022-09-27. Review status: criteria provided, single submitter. Criteria: Invitae Variant Classification Sherloc (09022015). Collection method: clinical testing. Allele origin: germline.
Comment: This sequence change replaces asparagine, which is neutral and polar, with lysine, which is basic and polar, at codon 503 of the P3H2 protein (p.Asn503Lys). This variant is present in population databases (rs745408174, gnomAD 0.1%). This variant has not been reported in the literature in individuals affected with P3H2-related conditions. ClinVar contains an entry for this variant (Variation ID: 968802). Advanced modeling of protein sequence and biophysical properties (such as structural, functional, and spatial information, amino acid conservation, physicochemical variation, residue mobility, and thermodynamic stability) performed at Invitae indicates that this missense variant is not expected to disrupt P3H2 protein function. Algorithms developed to predict the effect of sequence changes on RNA splicing suggest that this variant may create or strengthen a splice site. In summary, the available evidence is currently insufficient to determine the role of this variant in disease. Therefore, it has been classified as a Variant of Uncertain Significance.

Ambry Genetics
Classification: Uncertain significance for Inborn genetic diseases. Last evaluated: 2021-09-27. Review status: criteria provided, single submitter. Criteria: Ambry Variant Classification Scheme 2023. Collection method: clinical testing. Allele origin: germline.

Blueprint Genetics
Classification: Uncertain significance. Last evaluated: 2019-01-30. Review status: criteria provided, single submitter. Criteria: ACMG Guidelines, 2015. Collection method: clinical testing. Allele origin: germline.

PreventionGenetics, part of Exact Sciences
Classification: Uncertain significance for P3H2-related condition. Last evaluated: 2024-03-14. Review status: no assertion criteria provided. Collection method: clinical testing. Allele origin: germline. Not counted in ClinVar's aggregate classification.
Comment: The P3H2 c.1509T>A variant is predicted to result in the amino acid substitution p.Asn503Lys. To our knowledge, this variant has not been reported in the literature. This variant is reported in 0.10% of alleles in individuals of East Asian descent in gnomAD. Although we suspect that this variant may be benign, at this time, the clinical significance of this variant is uncertain due to the absence of conclusive functional and genetic evidence.

NM_018192.4(P3H2):c.1509T>A (p.Asn503Lys)

Gene: P3H2 (prolyl 3-hydroxylase 2; minus strand). Cytogenetic location: 3q28.
Variant type: single nucleotide variant.
Coding change: c.1509T>A on transcript NM_018192.4 (MANE Select); coding-DNA position 1509, T replaced by A.
Protein change: p.Asn503Lys; replaces asparagine 503 with lysine.
Molecular consequence: missense variant.
Genome position (GRCh38, 1-based): chr3:189,973,948, A>T on the plus strand (T>A on the coding strand, the complement: P3H2 is on the minus strand). VCF-style: chr3-189973948-A-T. GRCh37 (hg19) VCF-style: chr3-189691737-A-T.
Other names: c.966T>A, p.Asn322Lys (NM_001134418.2); short protein forms N503K, N322K.
Identifiers: ClinVar variation 968802 (VCV000968802.6), dbSNP rs745408174, ClinGen allele CA2752893.